The following is an entry in ClinVar:

ClinVar aggregate classification (germline): Likely benign. Review status: criteria provided, multiple submitters, no conflicts (2 of 4 stars). 2 submissions from 2 submitters: Likely benign (2). Last evaluated 2025-11-08.

Conditions:
Dilated cardiomyopathy 1G (CMD1G). Identifiers: Orphanet 154, MedGen C1858763, MONDO:0011400, OMIM 604145.
Autosomal recessive limb-girdle muscular dystrophy type 2J (LGMDR10). Also called: MUSCULAR DYSTROPHY, LIMB-GIRDLE, AUTOSOMAL RECESSIVE 10; Limb-girdle muscular dystrophy, type 2J. Identifiers: Orphanet 140922, MedGen C1837342, MONDO:0012127, OMIM 608807.

Submissions (2):

Labcorp Genetics (formerly Invitae), Labcorp
Classification: Likely benign for Dilated cardiomyopathy 1G; Autosomal recessive limb-girdle muscular dystrophy type 2J. Last evaluated: 2025-11-08. Review status: criteria provided, single submitter. Criteria: Invitae Variant Classification Sherloc (09022015). Collection method: clinical testing. Allele origin: germline.

Molecular Diagnostic Laboratory for Inherited Cardiovascular Disease, Montreal Heart Institute
Classification: Likely benign. Last evaluated: 2025-04-09. Review status: criteria provided, single submitter. Criteria: ACMG Guidelines, 2015. Collection method: clinical testing. Allele origin: germline. Affected: no.
Comment: BP7

NM_001267550.2(TTN):c.17691C>T (p.Val5897=)

Gene: TTN (titin; minus strand). Cytogenetic location: 2q31.2.
Variant type: single nucleotide variant.
Coding change: c.17691C>T on transcript NM_001267550.2 (MANE Select); coding-DNA position 17691, C replaced by T.
Protein change: p.Val5897=; no amino-acid change (valine 5897 retained).
Molecular consequence: synonymous variant. On other transcripts: intron variant (3).
Genome position (GRCh38, 1-based): chr2:178,730,974, G>A on the plus strand (C>T on the coding strand, the complement: TTN is on the minus strand). VCF-style: chr2-178730974-G-A. GRCh37 (hg19) VCF-style: chr2-179595701-G-A.
Other names: c.16740C>T, p.Val5580= (NM_001256850.1); c.13959C>T, p.Val4653= (NM_133378.4); c.13282+7108C>T (NM_003319.4); c.13858+7108C>T (NM_133437.4); c.13657+7108C>T (NM_133432.3).
Identifiers: ClinVar variation 3895252 (VCV003895252.2).